The following is an entry in ClinVar:

ClinVar aggregate classification (germline): Uncertain significance (1 of 4 stars; one submission).

Conditions:
Hereditary nonpolyposis colorectal neoplasms. Identifiers: MedGen C0009405, MeSH D003123.

Submission:

Labcorp Genetics (formerly Invitae), Labcorp
Classification: Uncertain significance for Hereditary nonpolyposis colorectal neoplasms. Last evaluated: 2022-08-12. Review status: criteria provided, single submitter. Criteria: Invitae Variant Classification Sherloc (09022015). Collection method: clinical testing. Allele origin: germline.
Comment: This variant is not present in population databases (gnomAD no frequency). In summary, the available evidence is currently insufficient to determine the role of this variant in disease. Therefore, it has been classified as a Variant of Uncertain Significance. This variant disrupts the p.Lys1233 amino acid residue in MSH6. Other variant(s) that disrupt this residue have been observed in individuals with MSH6-related conditions (Invitae), which suggests that this may be a clinically significant amino acid residue. Experimental studies and prediction algorithms are not available or were not evaluated, and the functional significance of this variant is currently unknown. This variant has been observed in individual(s) with clinical features of Lynch Syndrome (Invitae). This variant, c.3697_3699del, results in the deletion of 1 amino acid(s) of the MSH6 protein (p.Lys1233del), but otherwise preserves the integrity of the reading frame.

NM_000179.3(MSH6):c.3697_3699del (p.Lys1233del)

Gene: MSH6 (mutS homolog 6; plus strand). Cytogenetic location: 2p16.3.
Variant type: Deletion.
Coding change: c.3697_3699del on transcript NM_000179.3 (MANE Select); coding-DNA positions 3697 to 3699, 3 bases deleted (AAA; older notation c.3697_3699delAAA).
Protein change: p.Lys1233del; deletes lysine 1233.
Molecular consequence: inframe deletion. On other transcripts: inframe indel (38).
Genome position (GRCh38, 1-based): chr2:47,806,254-47,806,256, AAA deleted. VCF-style (leftmost placement, unchanged base first): chr2-47806253-TAAA-T. GRCh37 (hg19) VCF-style: chr2-48033392-TAAA-T.
Other names: c.3307_3309del, p.Lys1103del (NM_001281492.2); c.2791_2793del, p.Lys931del (NM_001281493.2, NM_001281494.2); c.3793_3795delAAA, p.Lys1265del (NM_001406795.1, NM_001406802.1); c.3697_3699delAAA, p.Lys1233del (NM_001406796.1, NM_001406800.1, NM_001406808.1 and 1 more transcripts); c.3400_3402delAAA, p.Lys1134del (NM_001406797.1, NM_001406801.1, NM_001406805.1 and 10 more transcripts); c.3523_3525delAAA, p.Lys1175del (NM_001406798.1); c.3172_3174delAAA, p.Lys1058del (NM_001406799.1, NM_001406806.1, NM_001406807.1); c.2833_2835delAAA, p.Lys945del (NM_001406803.1); and 8 more; short protein forms K1058del, K1233del, K931del, K945del, K1103del, K1175del, K1177del, K1207del.
Identifiers: ClinVar variation 2023785 (VCV002023785.4), dbSNP rs2530840499, ClinGen allele CA2580067289.
Genomic context (GRCh38, chr2:47,806,253, plus strand): 5'-TACTTTAACAGGAAGAGGTACTGCAACATTTGATGGGACGGCAATAGCAAATGCAGTTGT[TAAA>T]GAACTTGCTGAGACTATAAAATGTCGTACATTATTTTCAACTCACTACCATTCATTAGTA-3'